The following is an entry in ClinVar:

NM_001037333.3(CYFIP2):c.2423A>G (p.His808Arg)

Gene: CYFIP2 (cytoplasmic FMR1 interacting protein 2; plus strand). Cytogenetic location: 5q33.3.
Variant type: single nucleotide variant.
Coding change: c.2423A>G on transcript NM_001037333.3 (MANE Select); coding-DNA position 2423, A replaced by G.
Protein change: p.His808Arg; replaces histidine 808 with arginine.
Molecular consequence: missense variant.
Genome position (GRCh38, 1-based): chr5:157,339,094, A>G. VCF-style: chr5-157339094-A-G. GRCh37 (hg19) VCF-style: chr5-156766102-A-G.
Other names: c.2423A>G (NM_001037333.1); c.2345A>G, p.His782Arg (NM_001291721.2); c.2498A>G, p.His833Arg (NM_001291722.2); c.2423A>G, p.His808Arg (NM_014376.4); short protein forms H782R, H808R, H833R.
Identifiers: ClinVar variation 3381220 (VCV003381220.5).
Genomic context (GRCh38, chr5:157,339,094, plus strand): 5'-TTGTGGGCTCTCTCTCTGTACAGGAGCTGGAGTGGCTGCTGGAGATTAACCGGCTCACGC[A>G]TCGGCTGCTCTGTAAGCATATGACGCTGGACAGCTTCGATGCCATGTTCCGAGAGGCCAA-3'
Protein context (NP_001032410.1, residues 798-818): EWLLEINRLT[His808Arg]RLLCKHMTLD

ClinVar aggregate classification (germline): Conflicting classifications of pathogenicity. Review status: criteria provided, conflicting classifications (1 of 4 stars). 3 submissions from 3 submitters: Likely pathogenic (1); Uncertain significance (2). Last evaluated 2026-02-26.

Conditions:
Developmental and epileptic encephalopathy, 65. Also called: EPILEPTIC ENCEPHALOPATHY, EARLY INFANTILE, 65. Identifiers: MedGen C4693925, MONDO:0033374, OMIM 618008.
Inborn genetic diseases. Identifiers: MedGen C0950123, MeSH D030342.

gnomAD v4.1: 1 of 1,613,338 alleles (0.000062%); highest among the groups gnomAD compares: Non-Finnish European, 0.000085%; no homozygotes.

Submissions (3):

Ambry Genetics
Classification: Uncertain significance for Inborn genetic diseases. Last evaluated: 2026-02-26. Review status: criteria provided, single submitter. Criteria: Ambry Variant Classification Scheme 2023. Collection method: clinical testing. Allele origin: germline.
Comment: The c.2423A>G (p.H808R) alteration is located in exon 22 (coding exon 21) of the CYFIP2 gene. This alteration results from a A to G substitution at nucleotide position 2423, causing the histidine (H) at amino acid position 808 to be replaced by an arginine (R). Based on data from gnomAD, the G allele has an overall frequency of <0.001% (1/247240) total alleles studied. The highest observed frequency was 0.001% (1/111864) of European (non-Finnish) alleles. Based on insufficient or conflicting evidence, the clinical significance of this alteration remains unclear.

Servicio de Genética Del Instituto Nacional de Salud Del Niño, Ministerio de Salud
Classification: Likely pathogenic for Developmental and epileptic encephalopathy, 65. Last evaluated: 2024-11-18. Review status: criteria provided, single submitter. Criteria: ACMG Guidelines, 2015. Collection method: clinical testing. Allele origin: germline. Inheritance: Autosomal dominant inheritance. Affected: yes.
Comment: The variant NM_001037333.3:c.2423A>G (p.His808Arg) results in a histidine-to-arginine substitution at codon 808. According to ACMG/AMP guidelines, this variant meets the criteria for PM2, PP3, and PP2, supporting its classification as likely pathogenic

Labcorp Genetics (formerly Invitae), Labcorp
Classification: Uncertain significance. Last evaluated: 2024-10-31. Review status: criteria provided, single submitter. Criteria: Invitae Variant Classification Sherloc (09022015). Collection method: clinical testing. Allele origin: germline.
Comment: This sequence change replaces histidine, which is basic and polar, with arginine, which is basic and polar, at codon 808 of the CYFIP2 protein (p.His808Arg). This variant is present in population databases (rs374132627, gnomAD 0.0009%). This variant has not been reported in the literature in individuals affected with CYFIP2-related conditions. Experimental studies and prediction algorithms are not available or were not evaluated, and the functional significance of this variant is currently unknown. In summary, the available evidence is currently insufficient to determine the role of this variant in disease. Therefore, it has been classified as a Variant of Uncertain Significance.